The following is an entry in ClinVar:

ClinVar aggregate classification (germline): Uncertain significance (1 of 4 stars; one submission).

Conditions:
Charcot-Marie-Tooth disease type 2. Also called: Charcot-Marie-Tooth type 2. Identifiers: Orphanet 64746, MedGen C0270914, MONDO:0018993.

Allele frequency attached by ClinVar (database versions not stated): gnomAD exomes below 0.00001.
gnomAD v4.1: 1 of 1,613,916 alleles (0.000062%); highest among the groups gnomAD compares: Admixed American, 0.0017%; no homozygotes.

Submission:

Labcorp Genetics (formerly Invitae), Labcorp
Classification: Uncertain significance for Charcot-Marie-Tooth disease type 2. Last evaluated: 2025-06-27. Review status: criteria provided, single submitter. Criteria: Invitae Variant Classification Sherloc (09022015). Collection method: clinical testing. Allele origin: germline.
Comment: This sequence change falls in intron 4 of the AARS gene. It does not directly change the encoded amino acid sequence of the AARS protein. It affects a nucleotide within the consensus splice site. This variant is present in population databases (no rsID available, gnomAD 0.003%). This variant has not been reported in the literature in individuals affected with AARS-related conditions. ClinVar contains an entry for this variant (Variation ID: 1682309). Variants that disrupt the consensus splice site are a relatively common cause of aberrant splicing (PMID: 17576681, 9536098). Algorithms developed to predict the effect of sequence changes on RNA splicing suggest that this variant may disrupt the consensus splice site. In summary, the available evidence is currently insufficient to determine the role of this variant in disease. Therefore, it has been classified as a Variant of Uncertain Significance.

Literature cited by the submitters: PubMed 17576681; PubMed 9536098.

NM_001605.3(AARS1):c.479+5G>A

Gene: AARS1 (alanyl-tRNA synthetase 1; minus strand). Cytogenetic location: 16q22.1.
Variant type: single nucleotide variant.
Coding change: c.479+5G>A on transcript NM_001605.3 (MANE Select); 5 bases into the intron after coding-DNA position 479, G replaced by A.
Molecular consequence: intron variant.
Genome position (GRCh38, 1-based): chr16:70,276,481, C>T on the plus strand (G>A on the coding strand, the complement: AARS1 is on the minus strand). VCF-style: chr16-70276481-C-T. GRCh37 (hg19) VCF-style: chr16-70310384-C-T.
Identifiers: ClinVar variation 1682309 (VCV001682309.6), dbSNP rs1487772006, ClinGen allele CA623205675.